The following is an entry in ClinVar:

NM_153460.4(IL17RC):c.1059+1G>A

Gene: IL17RC (interleukin 17 receptor C; plus strand). Cytogenetic location: 3p25.3.
Variant type: single nucleotide variant.
Coding change: c.1059+1G>A on transcript NM_153460.4 (MANE Select); the canonical splice donor site of the intron after coding-DNA position 1059, G replaced by A.
Molecular consequence: splice donor variant.
Genome position (GRCh38, 1-based): chr3:9,928,487, G>A. VCF-style: chr3-9928487-G-A. GRCh37 (hg19) VCF-style: chr3-9970171-G-A.
Other names: c.1272+1G>A (NM_153461.4); c.1059+1G>A (NM_001203263.2, NM_001203264.2); c.1020+1G>A (NM_001367278.1); c.1014+1G>A (NM_032732.6, NM_001367280.1, NM_001203265.2 and 1 more transcripts); c.939+1G>A (NM_001367279.1).
Identifiers: ClinVar variation 2192990 (VCV002192990.4), dbSNP rs778205259, ClinGen allele CA70018790.

ClinVar aggregate classification (germline): Uncertain significance (1 of 4 stars; one submission).

Conditions:
Candidiasis, familial, 9 (CANDF9). Identifiers: Orphanet 1334, MedGen C4225324, MONDO:0014642, OMIM 616445.

Allele frequency attached by ClinVar (database versions not stated): gnomAD 0.00001.
gnomAD v4.1: 7 of 1,612,186 alleles (0.00043%); highest among the groups gnomAD compares: South Asian, 0.0011%; no homozygotes.

Submission:

Labcorp Genetics (formerly Invitae), Labcorp
Classification: Uncertain significance for Candidiasis, familial, 9. Last evaluated: 2021-12-24. Review status: criteria provided, single submitter. Criteria: Invitae Variant Classification Sherloc (09022015). Collection method: clinical testing. Allele origin: germline.
Comment: This sequence change affects a donor splice site in intron 11 of the IL17RC gene. It is expected to disrupt RNA splicing. Variants that disrupt the donor or acceptor splice site typically lead to a loss of protein function (PMID: 16199547), however the current clinical and genetic evidence is not sufficient to establish whether loss-of-function variants in IL17RC cause disease. This variant is present in population databases (no rsID available, gnomAD 0.0009%). This variant has not been reported in the literature in individuals affected with IL17RC-related conditions. Algorithms developed to predict the effect of sequence changes on RNA splicing suggest that this variant may disrupt the consensus splice site. In summary, the available evidence is currently insufficient to determine the role of this variant in disease. Therefore, it has been classified as a Variant of Uncertain Significance.

Literature cited by the submitters: PubMed 16199547.